The following is an entry in ClinVar:

NM_018191.4(RCBTB1):c.469T>A (p.Cys157Ser)

Gene: RCBTB1 (RCC1 and BTB domain containing protein 1; minus strand). Cytogenetic location: 13q14.2.
Variant type: single nucleotide variant.
Coding change: c.469T>A on transcript NM_018191.4 (MANE Select); coding-DNA position 469, T replaced by A.
Protein change: p.Cys157Ser; replaces cysteine 157 with serine.
Molecular consequence: missense variant. On other transcripts: 5 prime UTR variant (1), non-coding transcript variant (2).
Genome position (GRCh38, 1-based): chr13:49,555,649, A>T on the plus strand (T>A on the coding strand, the complement: RCBTB1 is on the minus strand). VCF-style: chr13-49555649-A-T. GRCh37 (hg19) VCF-style: chr13-50129785-A-T.
Other names: c.469T>A, p.Cys157Ser (NM_001352500.2, NM_001352501.2, NM_001352502.2 and 3 more transcripts); c.-111T>A (NM_001352506.2); c.469T>A (NM_018191.3); short protein forms C157S.
Identifiers: ClinVar variation 4920048 (VCV004920048.2).

ClinVar aggregate classification (germline): Uncertain significance. Review status: criteria provided, multiple submitters, no conflicts (2 of 4 stars). 2 submissions from 2 submitters: Uncertain significance (2). Last evaluated 2026-08-11.

Conditions:
RCBTB1-related disorder. Also called: RCBTB1-related condition.

gnomAD v4.1: 3 of 1,606,402 alleles (0.00019%); highest among the groups gnomAD compares: Non-Finnish European, 0.00026%; no homozygotes.

Submissions (2):

PreventionGenetics, part of Exact Sciences
Classification: Uncertain significance for RCBTB1-related condition. Last evaluated: 2026-08-11. Review status: criteria provided, single submitter. Criteria: ACMG Guidelines, 2015. Collection method: clinical testing. Allele origin: germline.
Comment: The RCBTB1 c.469T>A variant is predicted to result in the amino acid substitution p.Cys157Ser. To our knowledge, this variant has not been reported in the literature. This variant is reported in 0.00091% of alleles in individuals of European (Non-Finnish) descent in gnomAD. At this time, the clinical significance of this variant is uncertain due to the absence of conclusive functional and genetic evidence.

Blueprint Genetics
Classification: Uncertain significance. Last evaluated: 2024-11-20. Review status: criteria provided, single submitter. Criteria: ACMG Guidelines, 2015. Collection method: clinical testing. Allele origin: germline.